The following is an entry in ClinVar:

ClinVar aggregate classification (germline): Uncertain significance (1 of 4 stars; one submission).

Conditions:
Koolen-de Vries syndrome (KDVS). Identifiers: Orphanet 96169, MedGen C1864871, MONDO:0012496, OMIM 610443.

Allele frequency attached by ClinVar (database versions not stated): gnomAD exomes 0.00001; TOPMed 0.00001.
gnomAD v4.1: 16 of 1,613,760 alleles (0.00099%); highest among the groups gnomAD compares: African/African-American, 0.0013%; no homozygotes.

Submission:

Labcorp Genetics (formerly Invitae), Labcorp
Classification: Uncertain significance for Koolen-de Vries syndrome. Last evaluated: 2023-04-22. Review status: criteria provided, single submitter. Criteria: Invitae Variant Classification Sherloc (09022015). Collection method: clinical testing. Allele origin: germline.
Comment: In summary, the available evidence is currently insufficient to determine the role of this variant in disease. Therefore, it has been classified as a Variant of Uncertain Significance. An algorithm developed to predict the effect of missense changes on protein structure and function (PolyPhen-2) suggests that this variant is likely to be tolerated. This variant has not been reported in the literature in individuals affected with KANSL1-related conditions. The frequency data for this variant in the population databases is considered unreliable, as metrics indicate poor data quality at this position in the gnomAD database. This sequence change replaces arginine, which is basic and polar, with tryptophan, which is neutral and slightly polar, at codon 1091 of the KANSL1 protein (p.Arg1091Trp).

NM_015443.4(KANSL1):c.3271C>T (p.Arg1091Trp)

Gene: KANSL1 (KAT8 regulatory NSL complex subunit 1). Cytogenetic location: 17q21.31.
Variant type: single nucleotide variant.
Coding change: c.3271C>T on transcript NM_015443.4 (MANE Select); coding-DNA position 3271, C replaced by T.
Protein change: p.Arg1091Trp; replaces arginine 1091 with tryptophan.
Molecular consequence: missense variant.
Genome position (GRCh38, 1-based): chr17:46,031,523, G>A on the plus strand (C>T on the coding strand, the complement: KANSL1 is on the minus strand). VCF-style: chr17-46031523-G-A. GRCh37 (hg19) VCF-style: chr17-44108889-G-A.
Other names: c.3268C>T, p.Arg1090Trp (NM_001193465.2, NM_001405856.1, NM_001405857.1 and 1 more transcripts); c.3271C>T, p.Arg1091Trp (NM_001193466.2, NM_001379198.1, NM_001405854.1 and 1 more transcripts); c.3169C>T, p.Arg1057Trp (NM_001405859.1, NM_001405860.1); c.3166C>T, p.Arg1056Trp (NM_001405861.1); c.3139C>T, p.Arg1047Trp (NM_001405872.1, NM_001405873.1, NM_001405874.1); c.3082C>T, p.Arg1028Trp (NM_001405875.1, NM_001405876.1, NM_001405877.1 and 1 more transcripts); c.3079C>T, p.Arg1027Trp (NM_001405879.1, NM_001405880.1); c.3034C>T, p.Arg1012Trp (NM_001405881.1); and 4 more; short protein forms R1047W, R1090W, R1012W, R1027W, R1028W, R1091W, R605W, R606W.
Identifiers: ClinVar variation 2919558 (VCV002919558.3), dbSNP rs922454072, ClinGen allele CA291125265.